The following is an entry in ClinVar:

NM_001005242.3(PKP2):c.2483C>T (p.Thr828Ile)

Gene: PKP2 (plakophilin 2; minus strand). Cytogenetic location: 12p11.21.
Variant type: single nucleotide variant.
Coding change: c.2483C>T on transcript NM_001005242.3 (MANE Select); coding-DNA position 2483, C replaced by T.
Protein change: p.Thr828Ile; replaces threonine 828 with isoleucine.
Molecular consequence: missense variant.
Genome position (GRCh38, 1-based): chr12:32,792,455, G>A on the plus strand (C>T on the coding strand, the complement: PKP2 is on the minus strand). VCF-style: chr12-32792455-G-A. GRCh37 (hg19) VCF-style: chr12-32945389-G-A.
Other names: p.T872I:ACT>ATT; p.Thr872Ile; c.2615C>T, p.Thr872Ile (NM_004572.4); c.2483C>T (NM_001005242.2); short protein forms T872I, T828I.
Identifiers: ClinVar variation 138691 (VCV000138691.23), dbSNP rs370599966, ClinGen allele CA012218.

ClinVar aggregate classification (germline): Conflicting classifications of pathogenicity. Review status: criteria provided, conflicting classifications (1 of 4 stars). 10 submissions from 10 submitters: Uncertain significance (9); Benign (1). Last evaluated 2026-04-14.

Conditions:
Cardiovascular phenotype. Identifiers: MedGen CN230736.
PKP2-related disorder. Also called: PKP2-related condition.
Arrhythmogenic right ventricular cardiomyopathy (ARVD). Also called: Cardiomyopathy, ARVC; Arrhythmogenic right ventricular dysplasia; Arrhythmogenic Right Ventricular Cardiomyopathy (ARVC); Arrhythmogenic cardiomyopathy. Identifiers: Orphanet 247, MedGen C0349788, MeSH D019571, MONDO:0016587. Disease mechanism: loss of function. Inheritance: Various modes of inheritance.
Cardiomyopathy (CMYO). Also called: Cardiomyopathies. Identifiers: Orphanet 167848, MedGen C0878544, MONDO:0004994, HP:0001638. Inheritance: Various modes of inheritance.
Arrhythmogenic right ventricular dysplasia 9 (ARVD9). Also called: Arrhythmogenic Right Ventricular Dysplasia/Cardiomyopathy 9; ARRHYTHMOGENIC RIGHT VENTRICULAR DYSPLASIA, FAMILIAL, 9. Identifiers: MedGen C1836906, MONDO:0012180, OMIM 609040.

Allele frequency attached by ClinVar (database versions not stated): gnomAD exomes 0.00001 and 0.00007; TOPMed 0.00001; gnomAD 0.00002; ESP Exome Variant Server 0.00008.
gnomAD v4.1: 111 of 1,613,686 alleles (0.0069%); highest among the groups gnomAD compares: Non-Finnish European, 0.0087%; no homozygotes.

Submissions (10):

PreventionGenetics, part of Exact Sciences
Classification: Uncertain significance for PKP2-related condition. Last evaluated: 2026-04-14. Review status: criteria provided, single submitter. Criteria: ACMG Guidelines, 2015. Collection method: clinical testing. Allele origin: germline.
Comment: The PKP2 c.2615C>T variant is predicted to result in the amino acid substitution p.Thr872Ile. This variant has been reported along with a PKP2 nonsense variant c.397C>T (p.Gln133*) in multiple individuals with arrhythmogenic right ventricular dysplasia/cardiomyopathy (Table S1, Kapplinger et al. 2011. PubMed ID: 21636032; Supplementary Table A, Mast et al. 2016. PubMed ID: 26585103). In one case, these two variants were confirmed to be on the same allele (Roudijk et al. 2020. PubMed ID: 34317382). This variant is reported in 0.0023% of alleles in individuals of European (Non-Finnish) descent in gnomAD. At this time, the clinical significance of this variant is uncertain due to the absence of conclusive functional and genetic evidence.

Women's Health and Genetics/Laboratory Corporation of America, LabCorp
Classification: Uncertain significance. Last evaluated: 2026-01-12. Review status: criteria provided, single submitter. Criteria: LabCorp Variant Classification Summary - May 2015. Collection method: clinical testing. Allele origin: germline.
Comment: Variant summary: PKP2 c.2615C>T (p.Thr872Ile) results in a non-conservative amino acid change in the encoded protein sequence. Algorithms developed to predict the effect of missense changes on protein structure and function all suggest that this variant is likely to be disruptive. The variant allele was found at a frequency of 8e-06 in 251468 control chromosomes (gnomAD v2). The available data on variant occurrences in the general population are insufficient to allow any conclusion about variant significance. However the variant was also observed as 111 heterozygotes in the gnomAD v4 database. c.2615C>T has been reported in the literature in multiple individuals affected with Arrhythmia, phase unknown with pathogenic upstream variant PKP2 c.397C>T (p.Q133*) (e.g. Mast_2016, Groeneweg_2015, van Tintelen_2006, Kapplinger_2011). In at-least one individual with ARVC and the mother with an electrocardiogram phenotype, c.2615C>T was in-cis with c.397C>T (p.Q133*) (Roudijk_2020). These report(s) do not provide unequivocal conclusions about association of the variant with PKP2-related conditions. To our knowledge, no experimental evidence demonstrating an impact on protein function has been reported. The following publications have been ascertained in the context of this evaluation (PMID: 25820315, 21636032, 26585103, 34317382, 16567567). ClinVar contains an entry for this variant (Variation ID: 138691). Based on the evidence outlined above, the variant was classified as uncertain significance.

Mayo Clinic Laboratories, Mayo Clinic
Classification: Uncertain significance. Last evaluated: 2025-11-15. Review status: criteria provided, single submitter. Criteria: ACMG Guidelines, 2015. Collection method: clinical testing. Allele origin: germline. Observed: 1 variant allele.
Comment: BP5

Molecular Diagnostic Laboratory for Inherited Cardiovascular Disease, Montreal Heart Institute
Classification: Uncertain significance for Cardiovascular phenotype. Last evaluated: 2025-07-24. Review status: criteria provided, single submitter. Criteria: ACMG Guidelines, 2015. Collection method: clinical testing. Allele origin: germline. Affected: yes.

Labcorp Genetics (formerly Invitae), Labcorp
Classification: Uncertain significance for Arrhythmogenic right ventricular dysplasia 9. Last evaluated: 2025-04-23. Review status: criteria provided, single submitter. Criteria: Invitae Variant Classification Sherloc (09022015). Collection method: clinical testing. Allele origin: germline.
Comment: This sequence change replaces threonine, which is neutral and polar, with isoleucine, which is neutral and non-polar, at codon 872 of the PKP2 protein (p.Thr872Ile). This variant is present in population databases (rs370599966, gnomAD 0.002%). This missense change has been observed in individual(s) with arrythmogenic right ventricular cardiomyopathy (PMID: 21636032, 26585103, 34317382). ClinVar contains an entry for this variant (Variation ID: 138691). An algorithm developed to predict the effect of missense changes on protein structure and function (PolyPhen-2) suggests that this variant is likely to be disruptive. In summary, the available evidence is currently insufficient to determine the role of this variant in disease. Therefore, it has been classified as a Variant of Uncertain Significance.

All of Us Research Program, National Institutes of Health
Classification: Uncertain significance for Arrhythmogenic right ventricular cardiomyopathy. Last evaluated: 2024-07-10. Review status: criteria provided, single submitter. Criteria: ACMG Guidelines, 2015. Collection method: clinical testing. Allele origin: germline. Inheritance: Autosomal dominant inheritance. Observed: 11 variant alleles, 11 heterozygotes.
Comment: This missense variant replaces threonine with isoleucine at codon 872 of the PKP2 protein. Computational prediction is inconclusive regarding the impact of this variant on protein structure and function (internally defined REVEL score threshold 0.5 < inconclusive < 0.7, PMID: 27666373). To our knowledge, functional studies have not been reported for this variant. This variant has been reported in a few Dutch families affected with arrhythmogenic cardiomyopathy (PMID: 16567567, 25820315, 34317382). This variant was observed in cis with an upstream pathogenic truncating variant (c.397C>T, p.Gln133X) in all the carriers, suggesting that this variant may not have been the cause of arrhythmogenic cardiomyopathy in these families. This variant has been identified in 3/282866 chromosomes in the general population by the Genome Aggregation Database (gnomAD). The available evidence is insufficient to determine the role of this variant in disease conclusively. Therefore, this variant is classified as a Variant of Uncertain Significance.

This study involves interpretation of variants in research participants for the purpose of population health screening. Participant phenotype was not available at the time of variant classification. Additional details can be found in publication PMID: 35346344, PMCID: PMC8962531

Color Diagnostics, LLC DBA Color Health
Classification: Uncertain significance for Cardiomyopathy. Last evaluated: 2024-06-13. Review status: criteria provided, single submitter. Criteria: ACMG Guidelines, 2015. Collection method: clinical testing. Allele origin: germline.
Comment: This missense variant replaces threonine with isoleucine at codon 872 of the PKP2 protein. Computational prediction is inconclusive regarding the impact of this variant on protein structure and function (internally defined REVEL score threshold 0.5 < inconclusive < 0.7, PMID: 27666373). To our knowledge, functional studies have not been reported for this variant. This variant has been reported in a few Dutch families affected with arrhythmogenic cardiomyopathy (PMID: 16567567, 25820315, 34317382). This variant was observed in cis with an upstream pathogenic truncating variant (c.397C>T, p.Gln133X) in all the carriers, suggesting that this variant may not have been the cause of arrhythmogenic cardiomyopathy in these families. This variant has been identified in 3/282866 chromosomes in the general population by the Genome Aggregation Database (gnomAD). The available evidence is insufficient to determine the role of this variant in disease conclusively. Therefore, this variant is classified as a Variant of Uncertain Significance.

Ambry Genetics
Classification: Uncertain significance for Cardiovascular phenotype. Last evaluated: 2021-08-24. Review status: criteria provided, single submitter. Criteria: Ambry Variant Classification Scheme 2023. Collection method: clinical testing. Allele origin: germline.

CHEO Genetics Diagnostic Laboratory, Children's Hospital of Eastern Ontario
Classification: Uncertain significance for Cardiomyopathy. Last evaluated: 2017-11-08. Review status: criteria provided, single submitter. Criteria: ACMG Guidelines, 2015. Collection method: clinical testing. Allele origin: germline.

GeneDx
Classification: Benign. Last evaluated: 2012-04-06. Review status: criteria provided, single submitter. Criteria: GeneDx Variant Classification (06012015). Collection method: clinical testing. Allele origin: germline. Affected: yes.
Comment: This variant is considered likely benign or benign based on one or more of the following criteria: it is a conservative change, it occurs at a poorly conserved position in the protein, it is predicted to be benign by multiple in silico algorithms, and/or has population frequency not consistent with disease.

Literature cited by the submitters: PubMed 16567567 (cited by 4 submitters); PubMed 21636032 (cited by 3 submitters); PubMed 25820315 (cited by 4 submitters); PubMed 26585103 (cited by 3 submitters); PubMed 34317382 (cited by 5 submitters); PubMed 23299917 (cited by Mayo Clinic Laboratories, Mayo Clinic); PubMed 32079223 (cited by Mayo Clinic Laboratories, Mayo Clinic).